The following is an entry in ClinVar:

NM_001145304.2(IQCN):c.-5A>G

Gene: IQCN (IQ motif containing N; minus strand). Cytogenetic location: 19p13.11.
Variant type: single nucleotide variant.
Coding change: c.-5A>G on transcript NM_001145304.2 (MANE Select); 5 bases upstream of the start codon, A replaced by G.
Molecular consequence: 5 prime UTR variant.
Genome position (GRCh38, 1-based): chr19:18,269,483, T>C on the plus strand (A>G on the coding strand, the complement: IQCN is on the minus strand). VCF-style: chr19-18269483-T-C. GRCh37 (hg19) VCF-style: chr19-18380293-T-C.
Other names: c.-182A>G (NM_001145305.2); c.-5A>G (NM_025249.4).
Identifiers: ClinVar variation 4987814 (VCV004987814.1).

ClinVar aggregate classification (germline): Likely benign (1 of 4 stars; one submission).

Conditions:
IQCN-related condition.

Submission:

PreventionGenetics, part of Exact Sciences
Classification: Likely benign for IQCN-related condition. Last evaluated: 2026-03-06. Review status: criteria provided, single submitter. Criteria: ACMG Guidelines, 2015. Collection method: clinical testing. Allele origin: germline.
Comment: This variant is classified as likely benign based on ACMG/AMP sequence variant interpretation guidelines (Richards et al. 2015 PMID: 25741868, with internal and published modifications).